The following is an entry in ClinVar:

ClinVar aggregate classification (germline): Conflicting classifications of pathogenicity. Review status: criteria provided, conflicting classifications (1 of 4 stars). 4 submissions from 4 submitters: Uncertain significance (1); Likely benign (1). 2 of the submissions do not count toward it. Last evaluated 2026-01-27.

Conditions:
Acyl-CoA oxidase deficiency. Also called: STRAIGHT-CHAIN ACYL-CoA OXIDASE DEFICIENCY; Pseudoneonatal adrenoleukodystrophy; Peroxisomal acyl-CoA oxidase deficiency. Identifiers: Orphanet 2971, MedGen C1849678, MONDO:0009919, OMIM 264470. Disease mechanism: loss of function.
ACOX1-related disorder. Also called: ACOX1-related disorders; ACOX1-related condition.

Allele frequency attached by ClinVar (database versions not stated): gnomAD exomes 0.00014 and 0.00032; ExAC 0.00039; ESP Exome Variant Server 0.00108; 1000 Genomes Project 30x 0.00125; 1000 Genomes Project 0.00140; gnomAD 0.00151 and 0.00167; TOPMed 0.00172.
gnomAD v4.1: 428 of 1,614,160 alleles (0.027%); highest among the groups gnomAD compares: African/African-American, 0.55%; 2 homozygotes.

Submissions (4):

Labcorp Genetics (formerly Invitae), Labcorp
Classification: Likely benign for Acyl-CoA oxidase deficiency. Last evaluated: 2026-01-27. Review status: criteria provided, single submitter. Criteria: Invitae Variant Classification Sherloc (09022015). Collection method: clinical testing. Allele origin: germline.

Mayo Clinic Laboratories, Mayo Clinic
Classification: Uncertain significance. Last evaluated: 2024-11-05. Review status: criteria provided, single submitter. Criteria: ACMG Guidelines, 2015. Collection method: clinical testing. Allele origin: germline. Observed: 2 variant alleles.
Comment: BS1, PP3

PreventionGenetics, part of Exact Sciences
Classification: Likely benign for ACOX1-related condition. Last evaluated: 2024-04-11. Review status: no assertion criteria provided. Collection method: clinical testing. Allele origin: germline. Not counted in ClinVar's aggregate classification.
Comment: This variant is classified as likely benign based on ACMG/AMP sequence variant interpretation guidelines (Richards et al. 2015 PMID: 25741868, with internal and published modifications).

Natera, Inc.
Classification: Uncertain significance for Peroxisomal acyl-CoA oxidase deficiency. Last evaluated: 2019-11-11. Review status: no assertion criteria provided. Collection method: clinical testing. Allele origin: germline. Not counted in ClinVar's aggregate classification.

NM_004035.7(ACOX1):c.497A>G (p.Asn166Ser)

Gene: ACOX1 (acyl-CoA oxidase 1; minus strand). Cytogenetic location: 17q25.1.
Variant type: single nucleotide variant.
Coding change: c.497A>G on transcript NM_004035.7 (MANE Select); coding-DNA position 497, A replaced by G.
Protein change: p.Asn166Ser; replaces asparagine 166 with serine.
Molecular consequence: missense variant.
Genome position (GRCh38, 1-based): chr17:75,957,500, T>C on the plus strand (A>G on the coding strand, the complement: ACOX1 is on the minus strand). VCF-style: chr17-75957500-T-C. GRCh37 (hg19) VCF-style: chr17-73953581-T-C.
Other names: p.Asn166Ser; c.383A>G, p.Asn128Ser (NM_001185039.2); c.497A>G, p.Asn166Ser (NM_007292.6); short protein forms N128S, N166S.
Identifiers: ClinVar variation 707829 (VCV000707829.15), dbSNP rs145056278, ClinGen allele CA8777003.